The following is an entry in ClinVar:

ClinVar aggregate classification (germline): Likely benign (1 of 4 stars; one submission).

Submission:

CeGaT Center for Human Genetics Tuebingen
Classification: Likely benign. Last evaluated: 2026-05-01. Review status: criteria provided, single submitter. Criteria: CeGaT Center For Human Genetics Tuebingen Variant Classification Criteria Version 2. Collection method: clinical testing. Allele origin: germline. Affected: yes. Observed: 1 variant allele.
Comment: ROGDI: BP4, BP7

NM_024589.3(ROGDI):c.405G>A (p.Gln135=)

Gene: ROGDI (rogdi atypical leucine zipper; minus strand). Cytogenetic location: 16p13.3.
Variant type: single nucleotide variant.
Coding change: c.405G>A on transcript NM_024589.3 (MANE Select); coding-DNA position 405, G replaced by A.
Protein change: p.Gln135=; no amino-acid change (glutamine 135 retained).
Molecular consequence: synonymous variant. On other transcripts: non-coding transcript variant (1).
Genome position (GRCh38, 1-based): chr16:4,799,713, C>T on the plus strand (G>A on the coding strand, the complement: ROGDI is on the minus strand). VCF-style: chr16-4799713-C-T. GRCh37 (hg19) VCF-style: chr16-4849714-C-T.
Identifiers: ClinVar variation 4874966 (VCV004874966.2).